The following is an entry in ClinVar:

ClinVar aggregate classification (germline): Uncertain significance (1 of 4 stars; one submission).

Submission:

GeneDx
Classification: Uncertain significance. Last evaluated: 2026-02-21. Review status: criteria provided, single submitter. Criteria: GeneDx Variant Classification Process June 2021. Collection method: clinical testing. Allele origin: germline.
Comment: Not observed at significant frequency in large population cohorts (gnomAD); In silico analysis supports that this missense variant has a deleterious effect on protein structure/function; Has been observed in a patient in a large cohort of patients with autism but no detailed clinical information nor segregation was provided in this report (PMID: 34615535); This variant is associated with the following publications: (PMID: 25512093, 25609763, 26100331, 34615535)

NM_001376.5(DYNC1H1):c.5096A>G (p.Asn1699Ser)

Gene: DYNC1H1 (dynein cytoplasmic 1 heavy chain 1; plus strand). Cytogenetic location: 14q32.31.
Variant type: single nucleotide variant.
Coding change: c.5096A>G on transcript NM_001376.5 (MANE Select); coding-DNA position 5096, A replaced by G.
Protein change: p.Asn1699Ser; replaces asparagine 1699 with serine.
Molecular consequence: missense variant.
Genome position (GRCh38, 1-based): chr14:102,004,808, A>G. VCF-style: chr14-102004808-A-G. GRCh37 (hg19) VCF-style: chr14-102471145-A-G.
Other names: short protein forms N1699S.
Identifiers: ClinVar variation 4888174 (VCV004888174.1).
Genomic context (GRCh38, chr14:102,004,808, plus strand): 5'-TGTATTTATTTCAGGTTATGTTTAAAACTCCTGTGTCAATTACTGAACATCCCAAAATCA[A>G]TGAGTGGCTCACATTGGTAGAAAAGGAGATGAGAGTCACCCTGGCCAAACTGCTTGCTGA-3'
Protein context (NP_001367.2, residues 1689-1709): PVSITEHPKI[Asn1699Ser]EWLTLVEKEM